The following is an entry in ClinVar:

NM_001394372.1(BICRA):c.4004C>T (p.Pro1335Leu)

Gene: BICRA (BRD4 interacting chromatin remodeling complex associated protein; plus strand). Cytogenetic location: 19q13.33.
Variant type: single nucleotide variant.
Coding change: c.4004C>T on transcript NM_001394372.1 (MANE Select); coding-DNA position 4004, C replaced by T.
Protein change: p.Pro1335Leu; replaces proline 1335 with leucine.
Molecular consequence: missense variant.
Genome position (GRCh38, 1-based): chr19:47,701,736, C>T. VCF-style: chr19-47701736-C-T. GRCh37 (hg19) VCF-style: chr19-48204993-C-T.
Other names: c.4004C>T, p.Pro1335Leu (NM_015711.3); short protein forms P1335L.
Identifiers: ClinVar variation 4534251 (VCV004534251.6).
Genomic context (GRCh38, chr19:47,701,736, plus strand): 5'-AAGCCGGGCTCAGCAAGGTCGTGCACAACACGGCCCTGGACCCCGTGCACCAGCCCCCGC[C>T]ACCCCCCGCTACCCTCAAGGTGGCCGAGCCCCCGCCACGGCCGCCACCACCACCGCCGCC-3'
Protein context (NP_001381301.1, residues 1325-1345): TALDPVHQPP[Pro1335Leu]PPATLKVAEP

ClinVar aggregate classification (germline): Likely benign (1 of 4 stars; one submission).

gnomAD v4.1: 27 of 1,564,738 alleles (0.0017%); highest among the groups gnomAD compares: Admixed American, 0.038%; no homozygotes.

Submission:

CeGaT Center for Human Genetics Tuebingen
Classification: Likely benign. Last evaluated: 2025-10-01. Review status: criteria provided, single submitter. Criteria: CeGaT Center For Human Genetics Tuebingen Variant Classification Criteria Version 2. Collection method: clinical testing. Allele origin: germline. Affected: yes. Observed: 1 variant allele.
Comment: BICRA: BS2